The following is an entry in ClinVar:

NM_001458.5(FLNC):c.760C>G (p.Leu254Val)

Gene: FLNC (filamin C; plus strand). Cytogenetic location: 7q32.1.
Variant type: single nucleotide variant.
Coding change: c.760C>G on transcript NM_001458.5 (MANE Select); coding-DNA position 760, C replaced by G.
Protein change: p.Leu254Val; replaces leucine 254 with valine.
Molecular consequence: missense variant.
Genome position (GRCh38, 1-based): chr7:128,837,458, C>G. VCF-style: chr7-128837458-C-G. GRCh37 (hg19) VCF-style: chr7-128477512-C-G.
Other names: c.760C>G, p.Leu254Val (NM_001127487.2); short protein forms L254V.
Identifiers: ClinVar variation 4812400 (VCV004812400.1).
Genomic context (GRCh38, chr7:128,837,458, plus strand): 5'-GTCATTGCCCCTGAGGAGATTGTGGACCCCAACGTGGATGAGCATTCTGTTATGACCTAC[C>G]TGTCCCAGTTCCCCAAGGCCAAGCTCAAACCTGGTGCCCCTGTTCGATCCAAGCAGCTGA-3'
Protein context (NP_001449.3, residues 244-264): NVDEHSVMTY[Leu254Val]SQFPKAKLKP

ClinVar aggregate classification (germline): Uncertain significance (1 of 4 stars; one submission).

Conditions:
Hypertrophic cardiomyopathy 26. Also called: Cardiomyopathy, familial hypertrophic, 26. Identifiers: Orphanet 75249, MedGen C4310749, MONDO:0014883, OMIM 617047.
Myofibrillar myopathy 5. Also called: Filaminopathy (type); FILAMINOPATHY, AUTOSOMAL DOMINANT. Identifiers: Orphanet 171445, MedGen C1836050, MONDO:0012289, OMIM 609524.
Distal myopathy with posterior leg and anterior hand involvement. Also called: WILLIAMS DISTAL MYOPATHY. Identifiers: Orphanet 63273, MedGen C3279722, MONDO:0013550, OMIM 614065.

Submission:

Labcorp Genetics (formerly Invitae), Labcorp
Classification: Uncertain significance for Distal myopathy with posterior leg and anterior hand involvement; Myofibrillar myopathy 5; Hypertrophic cardiomyopathy 26. Last evaluated: 2025-03-27. Review status: criteria provided, single submitter. Criteria: Invitae Variant Classification Sherloc (09022015). Collection method: clinical testing. Allele origin: germline.
Comment: This sequence change replaces leucine, which is neutral and non-polar, with valine, which is neutral and non-polar, at codon 254 of the FLNC protein (p.Leu254Val). This variant is not present in population databases (gnomAD no frequency). This variant has not been reported in the literature in individuals affected with FLNC-related conditions. Invitae Evidence Modeling of protein sequence and biophysical properties (such as structural, functional, and spatial information, amino acid conservation, physicochemical variation, residue mobility, and thermodynamic stability) has been performed for this missense variant. However, the output from this modeling did not meet the statistical confidence thresholds required to predict the impact of this variant on FLNC protein function. In summary, the available evidence is currently insufficient to determine the role of this variant in disease. Therefore, it has been classified as a Variant of Uncertain Significance.